The following is an entry in ClinVar:

ClinVar aggregate classification (germline): Uncertain significance (1 of 4 stars; one submission).

Submission:

Labcorp Genetics (formerly Invitae), Labcorp
Classification: Uncertain significance. Last evaluated: 2023-01-30. Review status: criteria provided, single submitter. Criteria: Invitae Variant Classification Sherloc (09022015). Collection method: clinical testing. Allele origin: germline.
Comment: This sequence change replaces alanine, which is neutral and non-polar, with valine, which is neutral and non-polar, at codon 140 of the KLHDC8B protein (p.Ala140Val). This variant is not present in population databases (gnomAD no frequency). Algorithms developed to predict the effect of missense changes on protein structure and function are either unavailable or do not agree on the potential impact of this missense change (SIFT: "Deleterious"; PolyPhen-2: "Benign"; Align-GVGD: "Class C0"). In summary, the available evidence is currently insufficient to determine the role of this variant in disease. Therefore, it has been classified as a Variant of Uncertain Significance. This variant has not been reported in the literature in individuals affected with KLHDC8B-related conditions.

NM_173546.3(KLHDC8B):c.419C>T (p.Ala140Val)

Gene: KLHDC8B (kelch domain containing 8B; plus strand). Cytogenetic location: 3p21.31.
Variant type: single nucleotide variant.
Coding change: c.419C>T on transcript NM_173546.3 (MANE Select); coding-DNA position 419, C replaced by T.
Protein change: p.Ala140Val; replaces alanine 140 with valine.
Molecular consequence: missense variant.
Genome position (GRCh38, 1-based): chr3:49,174,281, C>T. VCF-style: chr3-49174281-C-T. GRCh37 (hg19) VCF-style: chr3-49211714-C-T.
Other names: short protein forms A140V.
Identifiers: ClinVar variation 1985079 (VCV001985079.4), dbSNP rs758067429, ClinGen allele CA352776584.